The following is an entry in ClinVar:

ClinVar aggregate classification (germline): Pathogenic/Likely pathogenic. Review status: criteria provided, multiple submitters, no conflicts (2 of 4 stars). 6 submissions from 6 submitters: Pathogenic (4); Likely pathogenic (1). 1 of the submissions does not count toward it. Last evaluated 2025-08-28.

Conditions:
Hereditary cancer-predisposing syndrome. Also called: Hereditary Cancer Syndrome; Hereditary neoplastic syndrome; Neoplastic Syndromes, Hereditary; Tumor predisposition. Identifiers: Orphanet 140162, MedGen C0027672, MeSH D009386, MONDO:0015356.
Familial adenomatous polyposis 1 (FAP1). Also called: FAMILIAL ADENOMATOUS POLYPOSIS 1, ATTENUATED; POLYPOSIS, ADENOMATOUS INTESTINAL. Identifiers: MedGen C2713442, MONDO:0021056, OMIM 175100. Disease mechanism: loss of function.

Submissions (6):

Ambry Genetics
Classification: Pathogenic for Hereditary cancer-predisposing syndrome. Last evaluated: 2025-08-28. Review status: criteria provided, single submitter. Criteria: Ambry Variant Classification Scheme 2023. Collection method: clinical testing. Allele origin: germline.
Comment: The c.1229dupT pathogenic mutation, located in coding exon 9 of the APC gene, results from a duplication of T at nucleotide position 1229, causing a translational frameshift with a predicted alternate stop codon (p.L410Ffs*9). This alteration has been observed in at least one individual with a personal and/or family history that is consistent with APC-related disease (Ambry internal data). This variant is considered to be rare based on population cohorts in the Genome Aggregation Database (gnomAD). This alteration is expected to result in loss of function by premature protein truncation or nonsense-mediated mRNA decay. As such, this alteration is interpreted as a disease-causing mutation.

ARUP Laboratories, Molecular Genetics and Genomics, ARUP Laboratories
Classification: Likely pathogenic. Last evaluated: 2023-09-14. Review status: criteria provided, single submitter. Criteria: ARUP Molecular Germline Variant Investigation Process 2024. Collection method: clinical testing. Allele origin: germline.
Comment: The APC c.1229dup; p.Leu410PhefsTer9 variant (rs863225308), to our knowledge, is not reported in the medical literature but is reported in ClinVar (Variation ID: 217919). This variant is also absent from the Genome Aggregation Database, indicating it is not a common polymorphism. This variant causes a frameshift by inserting a single nucleotide, so it is predicted to result in a truncated protein or mRNA subject to nonsense-mediated decay. Based on available information, this variant is considered to be likely pathogenic.

Myriad Genetics, Inc.
Classification: Pathogenic for Familial adenomatous polyposis 1. Last evaluated: 2023-04-28. Review status: criteria provided, single submitter. Criteria: Myriad Autosomal Dominant, Autosomal Recessive and X-Linked Classification Criteria (2023). Collection method: clinical testing. Allele origin: unknown.
Comment: This variant is considered pathogenic. This variant creates a frameshift predicted to result in premature protein truncation.

Labcorp Genetics (formerly Invitae), Labcorp
Classification: Pathogenic for Familial adenomatous polyposis 1. Last evaluated: 2022-08-08. Review status: criteria provided, single submitter. Criteria: Invitae Variant Classification Sherloc (09022015). Collection method: clinical testing. Allele origin: germline.
Comment: For these reasons, this variant has been classified as Pathogenic. ClinVar contains an entry for this variant (Variation ID: 217919). This variant has not been reported in the literature in individuals affected with APC-related conditions. This variant is not present in population databases (gnomAD no frequency). This sequence change creates a premature translational stop signal (p.Leu410Phefs*9) in the APC gene. It is expected to result in an absent or disrupted protein product. Loss-of-function variants in APC are known to be pathogenic (PMID: 17963004, 20685668).

Quest Diagnostics Nichols Institute San Juan Capistrano
Classification: Pathogenic. Last evaluated: 2021-09-01. Review status: criteria provided, single submitter. Criteria: Quest Diagnostics criteria. Collection method: clinical testing. Allele origin: unknown.
Comment: This frameshift variant causes the premature termination of APC protein synthesis. To the best of our knowledge, the variant has not been reported in the published literature. Based on the available information, this variant is classified as pathogenic.

Mayo Clinic Laboratories, Mayo Clinic
Classification: Likely pathogenic. Review status: no assertion criteria provided. Collection method: research. Allele origin: unknown. Observed: 1 variant allele. Not counted in ClinVar's aggregate classification.

Literature cited by the submitters: PubMed 17963004 (cited by Labcorp Genetics (formerly Invitae), Labcorp); PubMed 20685668 (cited by Labcorp Genetics (formerly Invitae), Labcorp).

NM_000038.6(APC):c.1229dup (p.Leu410fs)

Gene: APC (APC regulator of Wnt signaling pathway; plus strand). Cytogenetic location: 5q22.2.
Variant type: Duplication.
Coding change: c.1229dup on transcript NM_000038.6 (MANE Select); coding-DNA position 1229, one base duplicated (T; older notation c.1229dupT).
Protein change: p.Leu410fs; shifts the reading frame from leucine 410.
Molecular consequence: frameshift variant. On other transcripts: intron variant (4).
Genome position (GRCh38, 1-based): chr5:112,819,261, T duplicated; the last of 4 consecutive T bases (chr5:112,819,258-112,819,261); duplicating any one gives the same sequence. VCF-style (leftmost placement, unchanged base first): chr5-112819257-C-CT. GRCh37 (hg19) VCF-style: chr5-112154954-C-CT.
Other names: c.1229dup, p.Leu410fs (NM_001127510.3, NM_001354895.2, NM_001354896.2); c.1175dup, p.Leu392fs (NM_001127511.3); c.1259dup, p.Leu420fs (NM_001354897.2); c.1154dup, p.Leu385fs (NM_001354898.2); c.1145dup, p.Leu382fs (NM_001354899.2); c.1052dup, p.Leu351fs (NM_001354900.2, NM_001354901.2); c.380dup, p.Leu127fs (NM_001354906.2); c.964-8dup (NM_001354902.2); and 4 more; short protein forms L392fs, L382fs, L127fs, L385fs, L420fs, L351fs, L410fs.
Identifiers: ClinVar variation 217919 (VCV000217919.20), dbSNP rs863225308, ClinGen allele CA279795.
Genomic context (GRCh38, chr5:112,819,257, plus strand): 5'-AACATCATTCACTCACAGCCTGATGACAAGAGAGGCAGGCGTGAAATCCGAGTCCTTCAT[C>CT]TTTTGGAACAGATACGCGCTTACTGTGAAACCTGTTGGGAGTGGCAGGAAGCTCATGAAC-3'